The following continues an entry in ClinVar:

NM_001130987.2(DYSF):c.3886C>T (p.Gln1296Ter)

Gene: DYSF. ClinVar aggregate classification (germline): Pathogenic. Pathogenic (1).

Submissions 10 to 15 of 15:

Blueprint Genetics
Classification: Pathogenic for DYSF-related disorders. Last evaluated: 2023-05-02. Review status: criteria provided, single submitter. Criteria: ACMG Guidelines, 2015. Collection method: clinical testing. Allele origin: germline. Affected: yes. Observed: 2 variant alleles. Not counted in ClinVar's aggregate classification.

CeGaT Center for Human Genetics Tuebingen
Classification: Pathogenic. Last evaluated: 2023-04-01. Review status: criteria provided, single submitter. Criteria: CeGaT Center For Human Genetics Tuebingen Variant Classification Criteria Version 2. Collection method: clinical testing. Allele origin: germline. Affected: yes. Observed: 1 variant allele. Not counted in ClinVar's aggregate classification.
Comment: DYSF: PVS1, PM2, PM3

Fulgent Genetics
Classification: Pathogenic for Autosomal recessive limb-girdle muscular dystrophy type 2B; Miyoshi muscular dystrophy 1; Distal myopathy with anterior tibial onset. Last evaluated: 2021-07-15. Review status: criteria provided, single submitter. Criteria: ACMG Guidelines, 2015. Collection method: clinical testing. Allele origin: unknown. Not counted in ClinVar's aggregate classification.

Johns Hopkins Genomics, Johns Hopkins University
Classification: Pathogenic for Autosomal recessive limb-girdle muscular dystrophy type 2B. Last evaluated: 2020-06-16. Review status: criteria provided, single submitter. Criteria: ACMG Guidelines, 2015. Collection method: clinical testing. Allele origin: germline. Not counted in ClinVar's aggregate classification.
Comment: This DYSF variant (rs727503911) is rare (<0.1%) in a large population dataset4 (gnomAD: 4/279112 total alleles; 0.0014%; no homozygotes) and has an entry in ClinVar. This variant has been reported previously in a homozygous or compound heterozygous state in individuals affected with LGMDR2 or MMD1. This nonsense variant results in a premature stop codon in exon 34 of 56 likely leading to nonsense?mediated decay and lack of protein production. We consider this variant to be pathogenic.

Eurofins Ntd Llc (ga)
Classification: Pathogenic. Last evaluated: 2017-04-14. Review status: criteria provided, single submitter. Criteria: EGL Classification Definitions. Collection method: clinical testing. Allele origin: germline. Observed: 3 variant alleles, 2 heterozygotes, 1 homozygote. Not counted in ClinVar's aggregate classification.

Counsyl
Classification: Pathogenic for Autosomal recessive limb-girdle muscular dystrophy type 2B. Last evaluated: 2016-11-18. Review status: no assertion criteria provided. Collection method: clinical testing. Allele origin: unknown. Not counted in ClinVar's aggregate classification.

Literature cited by the submitters: PubMed 16010686 (cited by 5 submitters); PubMed 17698709 (cited by Labcorp Genetics (formerly Invitae), Labcorp and Johns Hopkins Genomics, Johns Hopkins University); PubMed 20301480 (cited by Labcorp Genetics (formerly Invitae), Labcorp); PubMed 25135358 (cited by Labcorp Genetics (formerly Invitae), Labcorp and Johns Hopkins Genomics, Johns Hopkins University).